The following is an entry in ClinVar:

NM_001083961.2(WDR62):c.1127G>A (p.Cys376Tyr)

Gene: WDR62 (WD repeat domain 62; plus strand). Cytogenetic location: 19q13.12.
Variant type: single nucleotide variant.
Coding change: c.1127G>A on transcript NM_001083961.2 (MANE Select); coding-DNA position 1127, G replaced by A.
Protein change: p.Cys376Tyr; replaces cysteine 376 with tyrosine.
Molecular consequence: missense variant.
Genome position (GRCh38, 1-based): chr19:36,073,425, G>A. VCF-style: chr19-36073425-G-A. GRCh37 (hg19) VCF-style: chr19-36564327-G-A.
Other names: c.1127G>A, p.Cys376Tyr (NM_173636.5); short protein forms C376Y.
Identifiers: ClinVar variation 1352220 (VCV001352220.8), dbSNP rs2145639416, ClinGen allele CA405433409.

ClinVar aggregate classification (germline): Uncertain significance (1 of 4 stars; one submission).

Submission:

Labcorp Genetics (formerly Invitae), Labcorp
Classification: Uncertain significance. Last evaluated: 2021-06-08. Review status: criteria provided, single submitter. Criteria: Invitae Variant Classification Sherloc (09022015). Collection method: clinical testing. Allele origin: germline.
Comment: This sequence change replaces cysteine with tyrosine at codon 376 of the WDR62 protein (p.Cys376Tyr). The cysteine residue is highly conserved and there is a large physicochemical difference between cysteine and tyrosine. This variant is not present in population databases (ExAC no frequency). This variant has been observed in individual(s) with clinical features of primary microcephaly (Invitae). In at least one individual the data is consistent with the variant being in trans (on the opposite chromosome) from a pathogenic variant. Algorithms developed to predict the effect of missense changes on protein structure and function are either unavailable or do not agree on the potential impact of this missense change (SIFT: "Deleterious"; PolyPhen-2: "Probably Damaging"; Align-GVGD: "Class C0"). In summary, the available evidence is currently insufficient to determine the role of this variant in disease. Therefore, it has been classified as a Variant of Uncertain Significance.